The following is an entry in ClinVar:

NM_000891.3(KCNJ2):c.*1069C>T

Gene: KCNJ2 (potassium inwardly rectifying channel subfamily J member 2; plus strand). Cytogenetic location: 17q24.3.
Variant type: single nucleotide variant.
Coding change: c.*1069C>T on transcript NM_000891.3 (MANE Select); 1069 bases downstream of the stop codon, C replaced by T.
Molecular consequence: 3 prime UTR variant.
Genome position (GRCh38, 1-based): chr17:70,177,392, C>T. VCF-style: chr17-70177392-C-T. GRCh37 (hg19) VCF-style: chr17-68173533-C-T.
Identifiers: ClinVar variation 324849 (VCV000324849.8), dbSNP rs45603434, ClinGen allele CA10640390.

ClinVar aggregate classification (germline): Benign. Review status: criteria provided, multiple submitters, no conflicts (2 of 4 stars). 5 submissions from 3 submitters: Benign (5). Last evaluated 2021-05-12.

Conditions:
Atrial fibrillation, familial, 9 (ATFB9). Identifiers: MedGen C3151431, MONDO:0013513, OMIM 613980.
Short QT syndrome type 3. Identifiers: Orphanet 51083, MedGen C1865018, MONDO:0012314, OMIM 609622.
Andersen Tawil syndrome (LQT7). Also called: Potassium-sensitive periodic paralysis, ventricular ectopy, and dysmorphic features; ANDERSEN CARDIODYSRHYTHMIC PERIODIC PARALYSIS; LONG QT SYNDROME 7; PERIODIC PARALYSIS, POTASSIUM-SENSITIVE CARDIODYSRHYTHMIC TYPE; Andersen Syndrome. Identifiers: Orphanet 37553, MedGen C1563715, MONDO:0008222, OMIM 170390.

Allele frequency attached by ClinVar (database versions not stated): 1000 Genomes Project 0.04892; 1000 Genomes Project 30x 0.05044; gnomAD exomes 0.07135; TOPMed 0.09227; gnomAD 0.09545 and 0.09819.
gnomAD v4.1: 15,671 of 167,194 alleles (9.4%); highest among the groups gnomAD compares: Non-Finnish European, 15%; 961 homozygotes.

Submissions (5):

GeneDx
Classification: Benign. Last evaluated: 2021-05-12. Review status: criteria provided, single submitter. Criteria: GeneDx Variant Classification Process June 2021. Collection method: clinical testing. Allele origin: germline. Affected: yes.

Illumina Laboratory Services, Illumina
Classification: Benign for Atrial fibrillation, familial, 9. Last evaluated: 2018-01-13. Review status: criteria provided, single submitter. Criteria: ICSL Variant Classification Criteria 13 December 2019. Collection method: clinical testing. Allele origin: germline.
Comment: This variant was observed in the ICSL laboratory as part of a predisposition screen in an ostensibly healthy population. It had not been previously curated by ICSL or reported in the Human Gene Mutation Database (HGMD: prior to June 1st, 2018), and was therefore a candidate for classification through an automated scoring system. Utilizing variant allele frequency, disease prevalence and penetrance estimates, and inheritance mode, an automated score was calculated to assess if this variant is too frequent to cause the disease. Based on the score and internal cut-off values, a variant classified as benign is not then subjected to further curation. The score for this variant resulted in a classification of benign for this disease.

Illumina Laboratory Services, Illumina
Classification: Benign for Short QT syndrome type 3. Last evaluated: 2018-01-13. Review status: criteria provided, single submitter. Criteria: ICSL Variant Classification Criteria 13 December 2019. Collection method: clinical testing. Allele origin: germline.
Comment: the same text as in the submission from Illumina Laboratory Services, Illumina above.

Illumina Laboratory Services, Illumina
Classification: Benign for Andersen Tawil syndrome. Last evaluated: 2018-01-13. Review status: criteria provided, single submitter. Criteria: ICSL Variant Classification Criteria 13 December 2019. Collection method: clinical testing. Allele origin: germline.
Comment: the same text as in the submission from Illumina Laboratory Services, Illumina above.

Breakthrough Genomics
Classification: Benign. Review status: criteria provided, single submitter. Criteria: ACMG Guidelines, 2015. Collection method: not provided. Allele origin: germline. Inheritance: Autosomal dominant inheritance. Affected: yes.